The following is an entry in ClinVar:

ClinVar aggregate classification (germline): Likely benign. Review status: reviewed by expert panel (3 of 4 stars). 26 submissions from 25 submitters: Likely benign (1). 25 of the submissions do not count toward it. Last evaluated 2023-08-17.

Conditions:
Hereditary diffuse gastric adenocarcinoma (HDGC). Also called: DIFFUSE GASTRIC AND LOBULAR BREAST CANCER SYNDROME. Identifiers: Orphanet 26106, MedGen C1708349, MONDO:0007648, OMIM 137215.
Familial cancer of breast. Also called: Hereditary breast cancer; hereditary breast carcinoma; BREAST CANCER, FAMILIAL. Identifiers: Orphanet 227535, MedGen C0346153, MONDO:0016419, OMIM 114480. Disease mechanism: loss of function.
Blepharocheilodontic syndrome 1 (BCDS1). Identifiers: Orphanet 1997, MedGen C4551988, MONDO:0054740, OMIM 119580.
Endometrial carcinoma. Also called: Endometrial carcinoma, somatic. Identifiers: MedGen C0476089, MONDO:0002447, OMIM 608089, HP:0012114.
Ovarian neoplasm. Also called: Ovarian tumor; Ovarian Neoplasms; Neoplasm of ovary. Identifiers: MedGen C0919267, MeSH D010051, MONDO:0021068, HP:0100615.
Prostate cancer. Also called: Malignant tumor of prostate. Identifiers: Orphanet 1331, MedGen C0376358, MONDO:0008315, HP:0012125.
CDH1-related diffuse gastric and lobular breast cancer syndrome. Also called: CDH1-related diffuse gastric and lobular breast cancer. Identifiers: MedGen CN311521, MONDO:0100488.
CDH1-related disorder. Also called: CDH1-related condition.
Breast and/or ovarian cancer. Identifiers: MedGen CN221562.
Hereditary cancer-predisposing syndrome. Also called: Tumor predisposition; Hereditary neoplastic syndrome; Neoplastic Syndromes, Hereditary; Hereditary Cancer Syndrome. Identifiers: Orphanet 140162, MedGen C0027672, MeSH D009386, MONDO:0015356.
Anophthalmia-microphthalmia syndrome. Also called: Anophthalmia - microphthalmia; Anophthalmia/Microphthalmia. Identifiers: Orphanet 98555, MedGen C5680330, MONDO:0020147.
Malignant tumor of breast. Also called: Malignant breast neoplasm; Cancer breast. Identifiers: MedGen C0006142, MONDO:0007254. Disease mechanism: loss of function.

Allele frequency attached by ClinVar (database versions not stated): ESP Exome Variant Server 0.00015; ExAC 0.00017; gnomAD exomes 0.00017; gnomAD 0.00021 and 0.00022; TOPMed 0.00028.

Submissions 1 to 17 of 26:

Clingen Gastric Cancer Variant Curation Expert Panel
Classification: Likely benign for CDH1-related diffuse gastric and lobular breast cancer syndrome. Last evaluated: 2023-08-17. Review status: reviewed by expert panel. Criteria: ClinGen CDH1 ACMG Specifications V3.1. Collection method: curation. Allele origin: germline. Inheritance: Autosomal dominant inheritance.
Comment: The c.670C>T (p.Arg224Cys) variant has been observed in >10 individuals without a diagnosis of diffuse gastric cancer, signet ring tumor or lobular breast cancer and whose family histories do not suggest HDGC (BS2; internal laboratory contributors). In summary, the clinical significance of this variant is classified as likely benign based on BS2 alone. ACMG/AMP criteria applied, as specified by the CDH1 Variant Curation Expert Panel (Variant Interpretation Guidelines Version 3.1): BS2.

Labcorp Genetics (formerly Invitae), Labcorp
Classification: Likely benign for Hereditary diffuse gastric adenocarcinoma. Last evaluated: 2026-01-27. Review status: criteria provided, single submitter. Criteria: Invitae Variant Classification Sherloc (09022015). Collection method: clinical testing. Allele origin: germline. Not counted in ClinVar's aggregate classification.

Dasa
Classification: Likely benign. Last evaluated: 2025-12-29. Review status: criteria provided, single submitter. Criteria: DASA Assertion Criteria. Collection method: clinical testing. Allele origin: germline. Not counted in ClinVar's aggregate classification.
Comment: NM_004360.5(CDH1):c.670C>T (p.Arg224Cys) is interpreted based on available population and clinical evidence, including population frequency and no convincing observation in affected individuals. Based on the available data, this variant is classified as likely benign.

Center for Genomic Medicine, Rigshospitalet, Copenhagen University Hospital
Classification: Likely benign. Last evaluated: 2025-03-04. Review status: criteria provided, single submitter. Criteria: ACMG Guidelines, 2015. Collection method: clinical testing. Allele origin: germline. Not counted in ClinVar's aggregate classification.

KCCC/NGS Laboratory, Kuwait Cancer Control Center
Classification: Benign for Hereditary diffuse gastric adenocarcinoma. Last evaluated: 2025-02-01. Review status: criteria provided, single submitter. Criteria: ACMG Guidelines, 2015. Collection method: clinical testing. Allele origin: germline. Affected: no. Not counted in ClinVar's aggregate classification.

Mayo Clinic Laboratories, Mayo Clinic
Classification: Likely benign. Last evaluated: 2025-01-22. Review status: criteria provided, single submitter. Criteria: ACMG Guidelines, 2015. Collection method: clinical testing. Allele origin: germline. Observed: 1 variant allele. Not counted in ClinVar's aggregate classification.
Comment: BS2

Myriad Genetics, Inc.
Classification: Likely benign for Hereditary diffuse gastric adenocarcinoma. Last evaluated: 2025-01-10. Review status: criteria provided, single submitter. Criteria: Myriad Autosomal Dominant, Autosomal Recessive and X-Linked Classification Criteria (2023). Collection method: clinical testing. Allele origin: unknown. Not counted in ClinVar's aggregate classification.
Comment: This variant is considered likely benign. This variant been observed in trans with a known pathogenic variant in one or more individuals. Compound heterozygosity for pathogenic variants in this gene is generally assumed to result in embryonic lethality.

Blueprint Genetics
Classification: Likely benign. Last evaluated: 2024-11-07. Review status: criteria provided, single submitter. Criteria: ACMG Guidelines, 2015. Collection method: clinical testing. Allele origin: germline. Not counted in ClinVar's aggregate classification.

CeGaT Center for Human Genetics Tuebingen
Classification: Likely benign. Last evaluated: 2024-09-01. Review status: criteria provided, single submitter. Criteria: CeGaT Center For Human Genetics Tuebingen Variant Classification Criteria Version 2. Collection method: clinical testing. Allele origin: germline. Affected: yes. Observed: 1 variant allele. Not counted in ClinVar's aggregate classification.
Comment: CDH1: BP4

Institute for Biomarker Research, Medical Diagnostic Laboratories, L.L.C.
Classification: Likely benign for Hereditary cancer-predisposing syndrome. Last evaluated: 2024-08-20. Review status: criteria provided, single submitter. Criteria: ACMG Guidelines, 2015. Collection method: clinical testing. Allele origin: germline. Not counted in ClinVar's aggregate classification.
Comment: The missense variant NM_004360.5(CDH1):c.670C>T (p.Arg224Cys) has been reported to ClinVar as Likely benign with a status of (3 stars) reviewed by expert panel (Variation ID 127932 as of 2024-08-01). There is a large physicochemical difference between arginine and cysteine, which is likely to impact secondary protein structure as these residues differ in polarity, charge, size and/or other properties. For these reasons, this variant has been classified as Likely Benign.

KCCC/NGS Laboratory, Kuwait Cancer Control Center
Classification: Likely benign for Familial prostate cancer. Last evaluated: 2023-07-07. Review status: criteria provided, single submitter. Criteria: ACMG Guidelines, 2015. Collection method: clinical testing. Allele origin: germline. Affected: yes. Not counted in ClinVar's aggregate classification.

Quest Diagnostics Nichols Institute San Juan Capistrano
Classification: Likely benign. Last evaluated: 2022-09-23. Review status: criteria provided, single submitter. Criteria: Quest Diagnostics criteria. Collection method: clinical testing. Allele origin: unknown. Not counted in ClinVar's aggregate classification.

European Reference Network on Genetic Tumour Risk Syndromes (ERN-GENTURIS), i3s - Instituto de Investigação e Inovação em Saúde, University of Porto
Classification: Likely benign for Hereditary diffuse gastric adenocarcinoma. Last evaluated: 2022-08-01. Review status: criteria provided, single submitter. Criteria: Lee et al. (Hum Mutat. 2018). Collection method: clinical testing. Allele origin: germline. Inheritance: Autosomal dominant inheritance. Affected: yes. Study: ERN GENTURIS. Not counted in ClinVar's aggregate classification.
Comment: BS2 (PMID: 30311375)

Fulgent Genetics
Classification: Likely benign for Familial cancer of breast; Blepharocheilodontic syndrome 1; Hereditary diffuse gastric adenocarcinoma; Ovarian cancer; Familial prostate cancer; Endometrial carcinoma. Last evaluated: 2021-08-12. Review status: criteria provided, single submitter. Criteria: ACMG Guidelines, 2015. Collection method: clinical testing. Allele origin: unknown. Not counted in ClinVar's aggregate classification.

CHEO Genetics Diagnostic Laboratory, Children's Hospital of Eastern Ontario
Classification: Likely benign for Breast and/or ovarian cancer. Last evaluated: 2021-03-10. Review status: criteria provided, single submitter. Criteria: ACMG Guidelines, 2015. Collection method: clinical testing. Allele origin: germline. Not counted in ClinVar's aggregate classification.

Sema4
Classification: Likely benign for Hereditary cancer-predisposing syndrome. Last evaluated: 2021-02-19. Review status: criteria provided, single submitter. Criteria: Sema4 Curation Guidelines. Collection method: curation. Allele origin: germline. Not counted in ClinVar's aggregate classification.

GeneDx
Classification: Likely benign. Last evaluated: 2020-12-03. Review status: criteria provided, single submitter. Criteria: GeneDx Variant Classification Process June 2021. Collection method: clinical testing. Allele origin: germline. Affected: yes. Not counted in ClinVar's aggregate classification.
Comment: In silico analysis, which includes protein predictors and evolutionary conservation, supports a deleterious effect; This variant is associated with the following publications: (PMID: 26182300, 21106365, 25980754, no PMID, 25593300, 26893459, 27582386, 28301460, 27621404, 30311375, 29577179)

NM_004360.5(CDH1):c.670C>T (p.Arg224Cys)

Gene: CDH1 (cadherin 1; plus strand). Cytogenetic location: 16q22.1.
Variant type: single nucleotide variant.
Coding change: c.670C>T on transcript NM_004360.5 (MANE Select); coding-DNA position 670, C replaced by T.
Protein change: p.Arg224Cys; replaces arginine 224 with cysteine.
Molecular consequence: missense variant. On other transcripts: 5 prime UTR variant (2).
Genome position (GRCh38, 1-based): chr16:68,808,831, C>T. VCF-style: chr16-68808831-C-T. GRCh37 (hg19) VCF-style: chr16-68842734-C-T.
Other names: p.R224C:CGC>TGC; c.670C>T, p.Arg224Cys (NM_001317184.2); c.-946C>T (NM_001317185.2); c.-1150C>T (NM_001317186.2); short protein forms R224C.
Identifiers: ClinVar variation 127932 (VCV000127932.57), dbSNP rs200310662, ClinGen allele CA288074.